The following is an entry in ClinVar:

NM_005591.4(MRE11):c.129T>G (p.Ile43Met)

Gene: MRE11 (MRE11 double strand break repair nuclease; minus strand). Cytogenetic location: 11q21.
Variant type: single nucleotide variant.
Coding change: c.129T>G on transcript NM_005591.4 (MANE Select); coding-DNA position 129, T replaced by G.
Protein change: p.Ile43Met; replaces isoleucine 43 with methionine.
Molecular consequence: missense variant. On other transcripts: 5 prime UTR variant (3).
Genome position (GRCh38, 1-based): chr11:94,490,857, A>C on the plus strand (T>G on the coding strand, the complement: MRE11 is on the minus strand). VCF-style: chr11-94490857-A-C. GRCh37 (hg19) VCF-style: chr11-94224023-A-C.
Other names: c.129T>G, p.Ile43Met (NM_001330347.2, NM_001440460.1, NM_001440461.1 and 21 more transcripts); c.54T>G, p.Ile18Met (NM_001440471.1, NM_001440472.1, NM_001440479.1); c.-336T>G (NM_001440485.1, NM_001440486.1, NM_001440487.1); short protein forms I18M, I43M.
Identifiers: ClinVar variation 4824454 (VCV004824454.1).

ClinVar aggregate classification (germline): Uncertain significance (1 of 4 stars; one submission).

Conditions:
Hereditary cancer-predisposing syndrome. Also called: Neoplastic Syndromes, Hereditary; Hereditary neoplastic syndrome; Tumor predisposition; Hereditary Cancer Syndrome. Identifiers: Orphanet 140162, MedGen C0027672, MeSH D009386, MONDO:0015356.

Submission:

Ambry Genetics
Classification: Uncertain significance for Hereditary cancer-predisposing syndrome. Last evaluated: 2026-02-22. Review status: criteria provided, single submitter. Criteria: Ambry Variant Classification Scheme 2023. Collection method: clinical testing. Allele origin: germline.
Comment: The p.I43M variant (also known as c.129T>G), located in coding exon 2 of the MRE11A gene, results from a T to G substitution at nucleotide position 129. The isoleucine at codon 43 is replaced by methionine, an amino acid with highly similar properties. This amino acid position is conserved. In addition, this alteration is predicted to be deleterious by in silico analysis. Based on the available evidence, the clinical significance of this variant remains unclear.